The following is an entry in ClinVar:

NM_025081.3(NYNRIN):c.4355G>T (p.Gly1452Val)

Gene: NYNRIN (NYN domain and retroviral integrase containing; plus strand). Cytogenetic location: 14q12.
Variant type: single nucleotide variant.
Coding change: c.4355G>T on transcript NM_025081.3 (MANE Select); coding-DNA position 4355, G replaced by T.
Protein change: p.Gly1452Val; replaces glycine 1452 with valine.
Molecular consequence: missense variant.
Genome position (GRCh38, 1-based): chr14:24,416,104, G>T. VCF-style: chr14-24416104-G-T. GRCh37 (hg19) VCF-style: chr14-24885310-G-T.
Other names: short protein forms G1452V.
Identifiers: ClinVar variation 3722736 (VCV003722736.2).

ClinVar aggregate classification (germline): Uncertain significance (1 of 4 stars; one submission).

gnomAD v4.1: 5 of 1,613,994 alleles (0.00031%); highest among the groups gnomAD compares: Non-Finnish European, 0.00042%; no homozygotes.

Submission:

Labcorp Genetics (formerly Invitae), Labcorp
Classification: Uncertain significance. Last evaluated: 2024-10-11. Review status: criteria provided, single submitter. Criteria: Invitae Variant Classification Sherloc (09022015). Collection method: clinical testing. Allele origin: germline.
Comment: This sequence change replaces glycine, which is neutral and non-polar, with valine, which is neutral and non-polar, at codon 1452 of the NYNRIN protein (p.Gly1452Val). This variant is present in population databases (rs769561880, gnomAD 0.003%). This variant has not been reported in the literature in individuals affected with NYNRIN-related conditions. Experimental studies and prediction algorithms are not available or were not evaluated, and the functional significance of this variant is currently unknown. In summary, the available evidence is currently insufficient to determine the role of this variant in disease. Therefore, it has been classified as a Variant of Uncertain Significance.